The following is an entry in ClinVar:

ClinVar aggregate classification (germline): Uncertain significance (1 of 4 stars; one submission).

Conditions:
Neurodevelopmental disorder with hypotonia, stereotypic hand movements, and impaired language. Also called: Intellectual disability, autosomal dominant 20. Identifiers: Orphanet 228384, Orphanet 664410, MedGen C3150700, MONDO:0013266, OMIM 613443.

Submission:

Labcorp Genetics (formerly Invitae), Labcorp
Classification: Uncertain significance for Neurodevelopmental disorder with hypotonia, stereotypic hand movements, and impaired language. Last evaluated: 2020-03-18. Review status: criteria provided, single submitter. Criteria: Invitae Variant Classification Sherloc (09022015). Collection method: clinical testing. Allele origin: germline.
Comment: This sequence change replaces proline with serine at codon 160 of the MEF2C protein (p.Pro160Ser). The proline residue is moderately conserved and there is a moderate physicochemical difference between proline and serine. This variant is not present in population databases (ExAC no frequency). This variant has not been reported in the literature in individuals with MEF2C-related conditions. Algorithms developed to predict the effect of missense changes on protein structure and function (SIFT, PolyPhen-2, Align-GVGD) all suggest that this variant is likely to be tolerated, but these predictions have not been confirmed by published functional studies and their clinical significance is uncertain. In summary, the available evidence is currently insufficient to determine the role of this variant in disease. Therefore, it has been classified as a Variant of Uncertain Significance.

NM_002397.5(MEF2C):c.478C>T (p.Pro160Ser)

Gene: MEF2C (myocyte enhancer factor 2C; minus strand). Cytogenetic location: 5q14.3.
Variant type: single nucleotide variant.
Coding change: c.478C>T on transcript NM_002397.5 (MANE Select); coding-DNA position 478, C replaced by T.
Protein change: p.Pro160Ser; replaces proline 160 with serine.
Molecular consequence: missense variant.
Genome position (GRCh38, 1-based): chr5:88,751,968, G>A on the plus strand (C>T on the coding strand, the complement: MEF2C is on the minus strand). VCF-style: chr5-88751968-G-A. GRCh37 (hg19) VCF-style: chr5-88047785-G-A.
Other names: c.472C>T, p.Pro158Ser (NM_001131005.2, NM_001364343.2, NM_001364352.2); c.532C>T, p.Pro178Ser (NM_001193347.1, NM_001364338.2); c.334C>T, p.Pro112Ser (NM_001193348.1, NM_001193349.3, NM_001364332.2 and 3 more transcripts); c.478C>T, p.Pro160Ser (NM_001193350.2, NM_001308002.3, NM_001363581.2 and 18 more transcripts); c.100C>T, p.Pro34Ser (NM_001364353.2, NM_001364356.2); c.52C>T, p.Pro18Ser (NM_001364357.2); short protein forms P18S, P158S, P178S, P160S, P112S, P34S.
Identifiers: ClinVar variation 1044365 (VCV001044365.9), dbSNP rs1772995609, ClinGen allele CA360423891.